The following is an entry in ClinVar:

ClinVar aggregate classification (germline): Pathogenic/Likely pathogenic. Review status: criteria provided, multiple submitters, no conflicts (2 of 4 stars). 10 submissions from 10 submitters: Pathogenic (8); Likely pathogenic (1). 1 of the submissions does not count toward it. Last evaluated 2025-09-22.

Conditions:
ABCA4-related disorder. Also called: ABCA4-related condition; ABCA4-related disorders. Identifiers: MedGen CN239167.
Retinal dystrophy. Also called: Inherited retinal dystrophy. Identifiers: Orphanet 71862, MedGen C0854723, MeSH D058499, MONDO:0019118, HP:0000556.
Severe early-childhood-onset retinal dystrophy (STGD1). Also called: MACULAR DYSTROPHY WITH FLECKS, TYPE 1; STGD; Stargardt macular dystrophy; Juvenile onset macular degeneration; Stargardt disease 1. Identifiers: Orphanet 364055, Orphanet 827, MedGen C1855465, MeSH D000080362, MONDO:0009549, OMIM 248200.

Submissions (10):

Labcorp Genetics (formerly Invitae), Labcorp
Classification: Pathogenic. Last evaluated: 2025-09-22. Review status: criteria provided, single submitter. Criteria: Invitae Variant Classification Sherloc (09022015). Collection method: clinical testing. Allele origin: germline.
Comment: This sequence change creates a premature translational stop signal (p.Ser2080Hisfs*16) in the ABCA4 gene. It is expected to result in an absent or disrupted protein product. Loss-of-function variants in ABCA4 are known to be pathogenic (PMID: 10958761, 24938718, 25312043, 26780318). This variant is not present in population databases (gnomAD no frequency). This premature translational stop signal has been observed in individual(s) with Stargardt disease (PMID: 11379881, 22449572). ClinVar contains an entry for this variant (Variation ID: 99439). For these reasons, this variant has been classified as Pathogenic.

Institute of Medical Genetics and Applied Genomics, University Hospital Tübingen
Classification: Pathogenic for Severe early-childhood-onset retinal dystrophy. Last evaluated: 2023-03-17. Review status: criteria provided, single submitter. Criteria: ACMG Guidelines, 2015. Collection method: clinical testing. Allele origin: germline. Inheritance: Autosomal recessive inheritance. Affected: yes.

Blueprint Genetics
Classification: Pathogenic for ABCA4-related disorders. Last evaluated: 2022-10-14. Review status: criteria provided, single submitter. Criteria: ACMG Guidelines, 2015. Collection method: clinical testing. Allele origin: germline. Affected: yes. Observed: 5 variant alleles.

Laboratory of Medical Genetics, National & Kapodistrian University of Athens
Classification: Pathogenic for Severe early-childhood-onset retinal dystrophy. Last evaluated: 2021-10-05. Review status: criteria provided, single submitter. Criteria: ACMG Guidelines, 2015. Collection method: clinical testing. Allele origin: paternal. Affected: yes.
Comment: PM1, PM2, PM5, PP3, PP5

Institute of Medical Molecular Genetics, University of Zurich
Classification: Likely pathogenic for Severe early-childhood-onset retinal dystrophy. Last evaluated: 2021-01-30. Review status: criteria provided, single submitter. Criteria: ACMG Guidelines, 2015. Collection method: clinical testing. Allele origin: unknown. Affected: yes.

CeGaT Center for Human Genetics Tuebingen
Classification: Pathogenic. Last evaluated: 2020-02-01. Review status: criteria provided, single submitter. Criteria: CeGaT Center For Human Genetics Tuebingen Variant Classification Criteria Version 2. Collection method: clinical testing. Allele origin: germline. Affected: yes. Observed: 1 variant allele.

Mendelics
Classification: Pathogenic for Severe early-childhood-onset retinal dystrophy. Last evaluated: 2019-05-28. Review status: criteria provided, single submitter. Criteria: Mendelics Assertion Criteria 2017. Collection method: clinical testing. Allele origin: unknown.

GeneDx
Classification: Pathogenic. Last evaluated: 2018-09-04. Review status: criteria provided, single submitter. Criteria: GeneDx Variant Classification (06012015). Collection method: clinical testing. Allele origin: germline. Affected: yes.
Comment: The c.6238_6239delTC variant in the ABCA4 gene has been reported previously in two siblings with late-onset Stargardt disease, although a second disease-causing variant in ABCA4 was not identified (Yatsenko et al., 2001). The c.6238_6239delTC variant causes a frameshift starting with codon Serine 2080, changes this amino acid to a Histidine residue, and creates a premature Stop codon at position 16 of the new reading frame, denoted p.Ser2080HisfsX16. This variant is predicted to cause loss of normal protein function either through protein truncation or nonsense-mediated mRNA decay. The c.6238_6239delTC variant is not observed in large population cohorts (Lek et al., 2016). We interpret c.6238_6239delTC as a pathogenic variant.

Institute of Human Genetics, Univ. Regensburg, Univ. Regensburg
Classification: Pathogenic for Retinal dystrophy. Last evaluated: 2015-01-01. Review status: criteria provided, single submitter. Criteria: ACMG Guidelines, 2015. Collection method: clinical testing. Allele origin: germline. Affected: yes.

Retina International
No classification provided. Review status: no classification provided. Collection method: not provided. Allele origin: not provided. Not counted in ClinVar's aggregate classification.

Literature cited by the submitters: PubMed 10958761 (cited by Labcorp Genetics (formerly Invitae), Labcorp); PubMed 24938718 (cited by Labcorp Genetics (formerly Invitae), Labcorp); PubMed 25312043 (cited by Labcorp Genetics (formerly Invitae), Labcorp); PubMed 26780318 (cited by Labcorp Genetics (formerly Invitae), Labcorp); PubMed 11379881 (cited by Labcorp Genetics (formerly Invitae), Labcorp and Institute of Human Genetics, Univ. Regensburg, Univ. Regensburg); PubMed 22449572 (cited by Labcorp Genetics (formerly Invitae), Labcorp); PubMed 3253185 (cited by Institute of Human Genetics, Univ. Regensburg, Univ. Regensburg).

NM_000350.3(ABCA4):c.6238_6239del (p.Ser2080fs)

Gene: ABCA4 (ATP binding cassette subfamily A member 4; minus strand). Cytogenetic location: 1p22.1.
Variant type: Microsatellite.
Coding change: c.6238_6239del on transcript NM_000350.3 (MANE Select); coding-DNA positions 6238 to 6239, 2 bases deleted (TC; older notation c.6238_6239delTC).
Protein change: p.Ser2080fs; shifts the reading frame from serine 2080.
Molecular consequence: frameshift variant.
Genome position (GRCh38, 1-based): chr1:94,001,901-94,001,902, GA deleted on the plus strand (TC on the coding strand, the reverse complement: ABCA4 is on the minus strand); deleting any 2 consecutive bases within chr1:94,001,901-94,001,905 gives the same sequence; the c. name uses the placement nearest the transcript's 3' end. VCF-style (leftmost placement, unchanged base first): chr1-94001900-GGA-G. GRCh37 (hg19) VCF-style: chr1-94467456-GGA-G.
Other names: c.6238_6239del (NM_000350.2); c.6013_6014CT[1], p.Ser2006Hisfs (NM_001425324.1); short protein forms S2080fs.
Identifiers: ClinVar variation 99439 (VCV000099439.55), dbSNP rs281865382, ClinGen allele CA227381.